The following is an entry in ClinVar:

ClinVar aggregate classification (germline): Uncertain significance. Review status: criteria provided, multiple submitters, no conflicts (2 of 4 stars). 2 submissions from 2 submitters: Uncertain significance (2). Last evaluated 2025-06-12.

Conditions:
Hereditary cancer-predisposing syndrome. Also called: Hereditary neoplastic syndrome; Tumor predisposition; Neoplastic Syndromes, Hereditary; Hereditary Cancer Syndrome. Identifiers: Orphanet 140162, MedGen C0027672, MeSH D009386, MONDO:0015356.
Fanconi anemia complementation group J. Also called: BRIP1-Related Fanconi Anemia. Identifiers: Orphanet 84, MedGen C1836860, MONDO:0012187, OMIM 609054.
Familial cancer of breast. Also called: hereditary breast carcinoma; BREAST CANCER, FAMILIAL; Hereditary breast cancer. Identifiers: Orphanet 227535, MedGen C0346153, MONDO:0016419, OMIM 114480. Disease mechanism: loss of function.

Submissions (2):

Ambry Genetics
Classification: Uncertain significance for Hereditary cancer-predisposing syndrome. Last evaluated: 2025-06-12. Review status: criteria provided, single submitter. Criteria: Ambry Variant Classification Scheme 2023. Collection method: clinical testing. Allele origin: germline.
Comment: The p.A349V variant (also known as c.1046C>T), located in coding exon 7 of the BRIP1 gene, results from a C to T substitution at nucleotide position 1046. The alanine at codon 349 is replaced by valine, an amino acid with similar properties. This amino acid position is well conserved in available vertebrate species. In addition, this alteration is predicted to be tolerated by in silico analysis. Based on the available evidence, the clinical significance of this variant remains unclear.

Labcorp Genetics (formerly Invitae), Labcorp
Classification: Uncertain significance for Familial cancer of breast; Fanconi anemia complementation group J. Last evaluated: 2022-06-25. Review status: criteria provided, single submitter. Criteria: Invitae Variant Classification Sherloc (09022015). Collection method: clinical testing. Allele origin: germline.
Comment: In summary, the available evidence is currently insufficient to determine the role of this variant in disease. Therefore, it has been classified as a Variant of Uncertain Significance. This variant disrupts the p.Ala349 amino acid residue in BRIP1. Other variant(s) that disrupt this residue have been determined to be pathogenic (PMID: 16116424, 16973432, 20639400, 24448499, 27107905). This suggests that this residue is clinically significant, and that variants that disrupt this residue are likely to be disease-causing. Algorithms developed to predict the effect of sequence changes on RNA splicing suggest that this variant may create or strengthen a splice site. Advanced modeling of protein sequence and biophysical properties (such as structural, functional, and spatial information, amino acid conservation, physicochemical variation, residue mobility, and thermodynamic stability) performed at Invitae indicates that this missense variant is expected to disrupt BRIP1 protein function. ClinVar contains an entry for this variant (Variation ID: 855875). This variant has not been reported in the literature in individuals affected with BRIP1-related conditions. This variant is not present in population databases (gnomAD no frequency). This sequence change replaces alanine, which is neutral and non-polar, with valine, which is neutral and non-polar, at codon 349 of the BRIP1 protein (p.Ala349Val).

Literature cited by the submitters: PubMed 16116424 (cited by Labcorp Genetics (formerly Invitae), Labcorp); PubMed 16973432 (cited by Labcorp Genetics (formerly Invitae), Labcorp); PubMed 20639400 (cited by Labcorp Genetics (formerly Invitae), Labcorp); PubMed 24448499 (cited by Labcorp Genetics (formerly Invitae), Labcorp); PubMed 27107905 (cited by Labcorp Genetics (formerly Invitae), Labcorp).

NM_032043.3(BRIP1):c.1046C>T (p.Ala349Val)

Gene: BRIP1 (BRCA1 interacting DNA helicase 1; minus strand). Cytogenetic location: 17q23.2.
Variant type: single nucleotide variant.
Coding change: c.1046C>T on transcript NM_032043.3 (MANE Select); coding-DNA position 1046, C replaced by T.
Protein change: p.Ala349Val; replaces alanine 349 with valine.
Molecular consequence: missense variant.
Genome position (GRCh38, 1-based): chr17:61,801,347, G>A on the plus strand (C>T on the coding strand, the complement: BRIP1 is on the minus strand). VCF-style: chr17-61801347-G-A. GRCh37 (hg19) VCF-style: chr17-59878708-G-A.
Other names: short protein forms A349V.
Identifiers: ClinVar variation 855875 (VCV000855875.11), dbSNP rs1184306036, ClinGen allele CA400484044.